The following is an entry in ClinVar:

NM_019112.4(ABCA7):c.5736T>C (p.Arg1912=)

Gene: ABCA7 (ATP binding cassette subfamily A member 7; plus strand). Cytogenetic location: 19p13.3.
Variant type: single nucleotide variant.
Coding change: c.5736T>C on transcript NM_019112.4 (MANE Select); coding-DNA position 5736, T replaced by C.
Protein change: p.Arg1912=; no amino-acid change (arginine 1912 retained).
Molecular consequence: synonymous variant.
Genome position (GRCh38, 1-based): chr19:1,063,567, T>C. VCF-style: chr19-1063567-T-C. GRCh37 (hg19) VCF-style: chr19-1063566-T-C.
Identifiers: ClinVar variation 3040493 (VCV003040493.2), dbSNP rs936498949, ClinGen allele CA504699149.

ClinVar aggregate classification (germline): Likely benign (0 of 4 stars; one submission).

Conditions:
ABCA7-related disorder. Also called: ABCA7-related condition.

gnomAD v4.1: 1 of 1,610,832 alleles (0.000062%); no homozygotes.

Submission:

PreventionGenetics, part of Exact Sciences
Classification: Likely benign for ABCA7-related condition. Last evaluated: 2019-09-18. Review status: no assertion criteria provided. Collection method: clinical testing. Allele origin: germline.
Comment: This variant is classified as likely benign based on ACMG/AMP sequence variant interpretation guidelines (Richards et al. 2015 PMID: 25741868, with internal and published modifications).